The following is an entry in ClinVar:

NM_177438.3(DICER1):c.3957dup (p.Asp1320fs)

Gene: DICER1 (dicer 1, ribonuclease III; minus strand). Cytogenetic location: 14q32.13.
Variant type: Duplication.
Coding change: c.3957dup on transcript NM_177438.3 (MANE Select); coding-DNA position 3957, one base duplicated (C; older notation c.3957dupC).
Protein change: p.Asp1320fs; shifts the reading frame from aspartic acid 1320.
Molecular consequence: frameshift variant.
Genome position (GRCh38, 1-based): chr14:95,103,439, G duplicated on the plus strand (C on the coding strand, the reverse complement: DICER1 is on the minus strand). VCF-style (leftmost placement, unchanged base first): chr14-95103438-C-CG. GRCh37 (hg19) VCF-style: chr14-95569775-C-CG.
Other names: c.3957dupC (NM_177438.2, NM_030621.4); c.3957dup, p.Asp1320fs (NM_001195573.1, NM_001271282.3, NM_001291628.2 and 1 more transcripts); short protein forms D1320fs.
Identifiers: ClinVar variation 575211 (VCV000575211.9), dbSNP rs1566766788, ClinGen allele CA891844303.

ClinVar aggregate classification (germline): Pathogenic/Likely pathogenic. Review status: criteria provided, multiple submitters, no conflicts (2 of 4 stars). 2 submissions from 2 submitters: Pathogenic (1); Likely pathogenic (1). Last evaluated 2018-04-14.

Conditions:
DICER1-related tumor predisposition. Also called: DICER1 syndrome; DICER1-related pleuropulmonary blastoma cancer predisposition syndrome. Identifiers: Orphanet 284343, MedGen C3839822, MONDO:0100216.

Submissions (2):

Labcorp Genetics (formerly Invitae), Labcorp
Classification: Pathogenic for DICER1-related tumor predisposition. Last evaluated: 2018-04-14. Review status: criteria provided, single submitter. Criteria: Invitae Variant Classification Sherloc (09022015). Collection method: clinical testing. Allele origin: germline.
Comment: This sequence change creates a premature translational stop signal (p.Asp1320Argfs*18) in the DICER1 gene. It is expected to result in an absent or disrupted protein product. This variant is not present in population databases (ExAC no frequency). This variant has not been reported in the literature in individuals with DICER1-related disease. Loss-of-function variants in DICER1 are known to be pathogenic (PMID: 19556464, 21266384). For these reasons, this variant has been classified as Pathogenic.

PreventionGenetics, part of Exact Sciences
Classification: Likely pathogenic. Last evaluated: 2018-03-22. Review status: criteria provided, single submitter. Criteria: ACMG Guidelines, 2015. Collection method: clinical testing. Allele origin: germline.

Literature cited by the submitters: PubMed 19556464 (cited by Labcorp Genetics (formerly Invitae), Labcorp); PubMed 21266384 (cited by Labcorp Genetics (formerly Invitae), Labcorp).